The following is an entry in ClinVar:

ClinVar aggregate classification (germline): Conflicting classifications of pathogenicity. Review status: criteria provided, conflicting classifications (1 of 4 stars). 7 submissions from 7 submitters: Uncertain significance (4); Likely benign (1). 2 of the submissions do not count toward it. Last evaluated 2026-01-21.

Conditions:
Wilson disease (WND). Also called: Wilson's disease. Identifiers: Orphanet 905, MedGen C0019202, MONDO:0010200, OMIM 277900. Disease mechanism: loss of function.

Allele frequency attached by ClinVar (database versions not stated): TOPMed 0.00005; ESP Exome Variant Server 0.00008; gnomAD 0.00009; 1000 Genomes Project 30x 0.00016; 1000 Genomes Project 0.00020.
gnomAD v4.1: 180 of 1,614,126 alleles (0.011%); highest among the groups gnomAD compares: Non-Finnish European, 0.015%; 1 homozygote.

Submissions (7):

Labcorp Genetics (formerly Invitae), Labcorp
Classification: Likely benign for Wilson disease. Last evaluated: 2026-01-21. Review status: criteria provided, single submitter. Criteria: Invitae Variant Classification Sherloc (09022015). Collection method: clinical testing. Allele origin: germline.

Color Diagnostics, LLC DBA Color Health
Classification: Uncertain significance for Wilson disease. Last evaluated: 2025-07-22. Review status: criteria provided, single submitter. Criteria: ACMG Guidelines, 2015. Collection method: clinical testing. Allele origin: germline.
Comment: This missense variant replaces alanine with glycine at codon 1139 of the ATP7B protein. Computational prediction suggests that this variant may not impact protein structure and function. To our knowledge, functional studies have not been reported for this variant. This variant has not been reported in individuals affected with Wilson disease in the literature. This variant has been identified in 22/280964 chromosomes in the general population by the Genome Aggregation Database (gnomAD). The available evidence is insufficient to determine the role of this variant in disease conclusively. Therefore, this variant is classified as a Variant of Uncertain Significance.

All of Us Research Program, National Institutes of Health
Classification: Uncertain significance for Wilson disease. Last evaluated: 2024-09-23. Review status: criteria provided, single submitter. Criteria: ACMG Guidelines, 2015. Collection method: clinical testing. Allele origin: germline. Inheritance: Autosomal recessive inheritance. Observed: 28 variant alleles, 28 heterozygotes.
Comment: This missense variant replaces alanine with glycine at codon 1139 of the ATP7B protein. Computational prediction suggests that this variant may not impact protein structure and function (internally defined REVEL score threshold <= 0.5, PMID: 27666373). To our knowledge, functional studies have not been reported for this variant. This variant has not been reported in individuals affected with Wilson disease in the literature. This variant has been identified in 22/280964 chromosomes in the general population by the Genome Aggregation Database (gnomAD). The available evidence is insufficient to determine the role of this variant in disease conclusively. Therefore, this variant is classified as a Variant of Uncertain Significance.

This study involves interpretation of variants in research participants for the purpose of population health screening. Participant phenotype was not available at the time of variant classification. Additional details can be found in publication PMID: 35346344, PMCID: PMC8962531

GeneDx
Classification: Uncertain significance. Last evaluated: 2024-07-05. Review status: criteria provided, single submitter. Criteria: GeneDx Variant Classification Process June 2021. Collection method: clinical testing. Allele origin: germline. Affected: yes.
Comment: In silico analysis indicates that this missense variant does not alter protein structure/function; Has not been previously published as pathogenic or benign to our knowledge

Genetic Services Laboratory, University of Chicago
Classification: Uncertain significance. Last evaluated: 2019-10-30. Review status: criteria provided, single submitter. Criteria: ACMG Guidelines, 2015. Collection method: clinical testing. Allele origin: germline. Affected: no.

Clinical Genetics DNA and cytogenetics Diagnostics Lab, Erasmus MC, Erasmus Medical Center
Classification: Likely benign. Review status: no assertion criteria provided. Collection method: clinical testing. Allele origin: germline. Affected: yes. Study: VKGL Data-share Consensus. Not counted in ClinVar's aggregate classification.

Genome Diagnostics Laboratory, Amsterdam University Medical Center
Classification: Likely benign. Review status: no assertion criteria provided. Collection method: clinical testing. Allele origin: germline. Affected: yes. Study: VKGL Data-share Consensus. Not counted in ClinVar's aggregate classification.

NM_000053.4(ATP7B):c.3416C>G (p.Ala1139Gly)

Gene: ATP7B (ATPase copper transporting beta; minus strand). Cytogenetic location: 13q14.3.
Variant type: single nucleotide variant.
Coding change: c.3416C>G on transcript NM_000053.4 (MANE Select); coding-DNA position 3416, C replaced by G.
Protein change: p.Ala1139Gly; replaces alanine 1139 with glycine.
Molecular consequence: missense variant.
Genome position (GRCh38, 1-based): chr13:51,941,221, G>C on the plus strand (C>G on the coding strand, the complement: ATP7B is on the minus strand). VCF-style: chr13-51941221-G-C. GRCh37 (hg19) VCF-style: chr13-52515357-G-C.
Other names: c.2795C>G, p.Ala932Gly (NM_001005918.3); c.3083C>G, p.Ala1028Gly (NM_001243182.2); c.3182C>G, p.Ala1061Gly (NM_001330578.2); c.3164C>G, p.Ala1055Gly (NM_001330579.2); short protein forms A1028G, A1055G, A1061G, A1139G, A932G.
Identifiers: ClinVar variation 1134697 (VCV001134697.20), dbSNP rs199924281, ClinGen allele CA6988690.